The following is an entry in ClinVar:

ClinVar aggregate classification (germline): Likely benign (0 of 4 stars; one submission).

Conditions:
PLXNA3-related disorder. Also called: PLXNA3-related condition.

Submissions (2):

PreventionGenetics, part of Exact Sciences
Classification: Likely benign for PLXNA3-related condition. Last evaluated: 2024-06-27. Review status: no assertion criteria provided. Collection method: clinical testing. Allele origin: germline.
Comment: This variant is classified as likely benign based on ACMG/AMP sequence variant interpretation guidelines (Richards et al. 2015 PMID: 25741868, with internal and published modifications).

Dr. Peter K. Rogan Lab, Western University
No classification provided (evidence only). Condition: Cervical cancer. Review status: no classification provided. Collection method: in vitro. Allele origin: not applicable. Functional consequence: retained intron. Not counted in ClinVar's aggregate classification.

NM_017514.5(PLXNA3):c.3927G>A (p.Pro1309=)

Gene: PLXNA3 (plexin A3; plus strand). Cytogenetic location: Xq28.
Variant type: single nucleotide variant.
Coding change: c.3927G>A on transcript NM_017514.5 (MANE Select); coding-DNA position 3927, G replaced by A.
Protein change: p.Pro1309=; no amino-acid change (proline 1309 retained).
Molecular consequence: synonymous variant.
Genome position (GRCh38, 1-based): chrX:154,468,188, G>A. VCF-style: chrX-154468188-G-A. GRCh37 (hg19) VCF-style: chrX-153696531-G-A.
Other names: NC_000023.10:g.153696531G>A.
Identifiers: ClinVar variation 3358730 (VCV003358730.2).